The following is an entry in ClinVar:

ClinVar aggregate classification (germline): Pathogenic (1 of 4 stars; one submission).

Conditions:
Familial cancer of breast. Also called: BREAST CANCER, FAMILIAL; Hereditary breast cancer; hereditary breast carcinoma. Identifiers: Orphanet 227535, MedGen C0346153, MONDO:0016419, OMIM 114480. Disease mechanism: loss of function.

Submission:

Labcorp Genetics (formerly Invitae), Labcorp
Classification: Pathogenic for Familial cancer of breast. Last evaluated: 2019-11-10. Review status: criteria provided, single submitter. Criteria: Invitae Variant Classification Sherloc (09022015). Collection method: clinical testing. Allele origin: germline.
Comment: This sequence change creates a premature translational stop signal (p.Lys312*) in the BARD1 gene. It is expected to result in an absent or disrupted protein product. This variant is not present in population databases (ExAC no frequency). This variant has not been reported in the literature in individuals with BARD1-related conditions. ClinVar contains an entry for this variant (Variation ID: 530205). Loss-of-function variants in BARD1 are known to be pathogenic (PMID: 20077502, 21344236). For these reasons, this variant has been classified as Pathogenic.

Literature cited by the submitters: PubMed 20077502; PubMed 21344236.

NM_000465.4(BARD1):c.934A>T (p.Lys312Ter)

Gene: BARD1 (BRCA1 associated RING domain 1; minus strand). Cytogenetic location: 2q35.
Variant type: single nucleotide variant.
Coding change: c.934A>T on transcript NM_000465.4 (MANE Select); coding-DNA position 934, A replaced by T.
Protein change: p.Lys312Ter; replaces lysine 312 with a stop codon.
Molecular consequence: nonsense. On other transcripts: non-coding transcript variant (2), intron variant (3).
Genome position (GRCh38, 1-based): chr2:214,780,940, T>A on the plus strand (A>T on the coding strand, the complement: BARD1 is on the minus strand). VCF-style: chr2-214780940-T-A. GRCh37 (hg19) VCF-style: chr2-215645664-T-A.
Other names: c.877A>T, p.Lys293Ter (NM_001282543.2); c.159-28385A>T (NM_001282548.2); c.215+16121A>T (NM_001282545.2); c.364+11357A>T (NM_001282549.2); short protein forms K312*, K293*.
Identifiers: ClinVar variation 530205 (VCV000530205.9), dbSNP rs1060501291, ClinGen allele CA350454958.
Genomic context (GRCh38, chr2:214,780,940, plus strand): 5'-TGGGACTGGAAAGTCTATTGTGATGGCCACGTTTTCCATTATTTTCTAATGGCAAAGATT[T>A]CTTAGATGTAAGATAATTTTTGCAGACCTTCTCAGGAGTCACTACTTCATTCCTGCTCTT-3'